The following is an entry in ClinVar:

NM_003072.5(SMARCA4):c.1370A>C (p.Glu457Ala)

Gene: SMARCA4 (SWI/SNF related BAF chromatin remodeling complex subunit ATPase 4; plus strand). Cytogenetic location: 19p13.2.
Variant type: single nucleotide variant.
Coding change: c.1370A>C on transcript NM_003072.5 (MANE Select); coding-DNA position 1370, A replaced by C.
Protein change: p.Glu457Ala; replaces glutamic acid 457 with alanine.
Molecular consequence: missense variant. On other transcripts: non-coding transcript variant (1).
Genome position (GRCh38, 1-based): chr19:10,991,274, A>C. VCF-style: chr19-10991274-A-C. GRCh37 (hg19) VCF-style: chr19-11101950-A-C.
Other names: c.1370A>C, p.Glu457Ala (NM_001128844.3, NM_001128845.2, NM_001128846.2 and 6 more transcripts); short protein forms E457A.
Identifiers: ClinVar variation 1771026 (VCV001771026.2), dbSNP rs2145881533, ClinGen allele CA404060965.

ClinVar aggregate classification (germline): Uncertain significance (1 of 4 stars; one submission).

Conditions:
Hereditary cancer-predisposing syndrome. Also called: Hereditary Cancer Syndrome; Hereditary neoplastic syndrome; Neoplastic Syndromes, Hereditary; Tumor predisposition. Identifiers: Orphanet 140162, MedGen C0027672, MeSH D009386, MONDO:0015356.

Submission:

Ambry Genetics
Classification: Uncertain significance for Hereditary cancer-predisposing syndrome. Last evaluated: 2020-03-06. Review status: criteria provided, single submitter. Criteria: Ambry Variant Classification Scheme 2023. Collection method: clinical testing. Allele origin: germline.
Comment: The p.E457A variant (also known as c.1370A>C), located in coding exon 7 of the SMARCA4 gene, results from an A to C substitution at nucleotide position 1370. The glutamic acid at codon 457 is replaced by alanine, an amino acid with dissimilar properties. This amino acid position is highly conserved in available vertebrate species. In addition, the in silico prediction for this alteration is inconclusive. Since supporting evidence is limited at this time, the clinical significance of this alteration remains unclear.